The following is an entry in ClinVar:

ClinVar aggregate classification (germline): Uncertain significance (1 of 4 stars; one submission).

Allele frequency attached by ClinVar (database versions not stated): gnomAD 0.00001 and 0.00002; ExAC 0.00002; gnomAD exomes 0.00002 and 0.00004; TOPMed 0.00002.
gnomAD v4.1: 61 of 1,598,720 alleles (0.0038%); highest among the groups gnomAD compares: Admixed American, 0.0052%; no homozygotes.

Submission:

Labcorp Genetics (formerly Invitae), Labcorp
Classification: Uncertain significance. Last evaluated: 2022-10-26. Review status: criteria provided, single submitter. Criteria: Invitae Variant Classification Sherloc (09022015). Collection method: clinical testing. Allele origin: germline.
Comment: This sequence change replaces arginine, which is basic and polar, with glycine, which is neutral and non-polar, at codon 62 of the PCLO protein (p.Arg62Gly). This variant is present in population databases (rs754191806, gnomAD 0.003%). This variant has not been reported in the literature in individuals affected with PCLO-related conditions. ClinVar contains an entry for this variant (Variation ID: 1450657). Algorithms developed to predict the effect of missense changes on protein structure and function are either unavailable or do not agree on the potential impact of this missense change (SIFT: "Deleterious"; PolyPhen-2: "Not Available"; Align-GVGD: "Class C0"). In summary, the available evidence is currently insufficient to determine the role of this variant in disease. Therefore, it has been classified as a Variant of Uncertain Significance.

NM_033026.6(PCLO):c.184A>G (p.Arg62Gly)

Gene: PCLO (piccolo presynaptic cytomatrix protein; minus strand). Cytogenetic location: 7q21.11.
Variant type: single nucleotide variant.
Coding change: c.184A>G on transcript NM_033026.6 (MANE Select); coding-DNA position 184, A replaced by G.
Protein change: p.Arg62Gly; replaces arginine 62 with glycine.
Molecular consequence: missense variant.
Genome position (GRCh38, 1-based): chr7:83,162,409, T>C on the plus strand (A>G on the coding strand, the complement: PCLO is on the minus strand). VCF-style: chr7-83162409-T-C. GRCh37 (hg19) VCF-style: chr7-82791725-T-C.
Other names: c.184A>G, p.Arg62Gly (NM_014510.3); short protein forms R62G.
Identifiers: ClinVar variation 1450657 (VCV001450657.4), dbSNP rs754191806, ClinGen allele CA4321738.